The following is an entry in ClinVar:

ClinVar aggregate classification (germline): Uncertain significance (1 of 4 stars; one submission).

Submission:

Labcorp Genetics (formerly Invitae), Labcorp
Classification: Uncertain significance. Last evaluated: 2023-10-03. Review status: criteria provided, single submitter. Criteria: Invitae Variant Classification Sherloc (09022015). Collection method: clinical testing. Allele origin: germline.
Comment: This sequence change replaces arginine, which is basic and polar, with lysine, which is basic and polar, at codon 618 of the APC2 protein (p.Arg618Lys). This variant also falls at the last nucleotide of exon 14, which is part of the consensus splice site for this exon. This variant is not present in population databases (gnomAD no frequency). This missense change has been observed in individual(s) with clinical features of lissencephaly spectrum (Invitae). ClinVar contains an entry for this variant (Variation ID: 2108857). An algorithm developed to predict the effect of missense changes on protein structure and function (PolyPhen-2) suggests that this variant is likely to be disruptive. Variants that disrupt the consensus splice site are a relatively common cause of aberrant splicing (PMID: 17576681, 9536098). Algorithms developed to predict the effect of sequence changes on RNA splicing suggest that this variant may disrupt the consensus splice site. In summary, the available evidence is currently insufficient to determine the role of this variant in disease. Therefore, it has been classified as a Variant of Uncertain Significance.

Literature cited by the submitters: PubMed 17576681; PubMed 9536098.

NM_005883.3(APC2):c.1853G>A (p.Arg618Lys)

Gene: APC2 (APC regulator of Wnt signaling pathway 2; plus strand). Cytogenetic location: 19p13.3.
Variant type: single nucleotide variant.
Coding change: c.1853G>A on transcript NM_005883.3 (MANE Select); coding-DNA position 1853, G replaced by A.
Protein change: p.Arg618Lys; replaces arginine 618 with lysine.
Molecular consequence: missense variant.
Genome position (GRCh38, 1-based): chr19:1,462,177, G>A. VCF-style: chr19-1462177-G-A. GRCh37 (hg19) VCF-style: chr19-1462176-G-A.
Other names: c.1850G>A, p.Arg617Lys (NM_001351273.1); short protein forms R617K, R618K.
Identifiers: ClinVar variation 2108857 (VCV002108857.4), dbSNP rs2512500240, ClinGen allele CA403022481.
Genomic context (GRCh38, chr19:1,462,177, plus strand): 5'-AGAGCGGCGGCGGCATCCTCCGCAATGTGTCCAGCCTCGTCGCCACCCGTGAGGACTACA[G>A]GTCGGCCCCCACCCCCCCACCCGCACACAGGCAGCTGCGCTCGGGGCGGGCACAGGGCTG-3'
Protein context (NP_005874.1, residues 608-628): SSLVATREDY[Arg618Lys]QVLRDHNCLQ